The following is an entry in ClinVar:

NM_001039792.2(HRCT1):c.299_310dup (p.His103_His104insLeuHisHisHis)

Gene: HRCT1 (histidine rich carboxyl terminus 1; plus strand). Cytogenetic location: 9p13.3.
Variant type: Duplication.
Coding change: c.299_310dup on transcript NM_001039792.2 (MANE Select); coding-DNA positions 299 to 310, 12 bases duplicated (TCCACCACCACC).
Protein change: p.His103_His104insLeuHisHisHis.
Genome position (GRCh38, 1-based): chr9:35,906,586-35,906,597, TCCACCACCACC duplicated; duplicating any 12 consecutive bases within chr9:35,906,579-35,906,597 gives the same sequence; the c. name uses the placement nearest the transcript's 3' end. VCF-style (leftmost placement, unchanged base first): chr9-35906578-T-TCACCACCTCCAC. GRCh37 (hg19) VCF-style: chr9-35906575-T-TCACCACCTCCAC.
Identifiers: ClinVar variation 3770909 (VCV003770909.13).
Genomic context (GRCh38, chr9:35,906,578, plus strand): 5'-CCACGTATCTCATGTGCCGAATGTGGGCCTCCACCACCACCACCACCCCCGCCACACCCC[T>TCACCACCTCCAC]CACCACCTCCACCACCACCACCACCCCCACCGCCACCATCCCCGCCACGCTCGCTGAGGC-3'

ClinVar aggregate classification (germline): Likely benign (1 of 4 stars; one submission).

Submission:

CeGaT Center for Human Genetics Tuebingen
Classification: Likely benign. Last evaluated: 2024-12-01. Review status: criteria provided, single submitter. Criteria: CeGaT Center For Human Genetics Tuebingen Variant Classification Criteria Version 2. Collection method: clinical testing. Allele origin: germline. Affected: yes. Observed: 1 variant allele.
Comment: HRCT1: BS2